The following is an entry in ClinVar:

NM_001470.4(GABBR1):c.290-1G>T

Gene: GABBR1 (gamma-aminobutyric acid type B receptor subunit 1; minus strand). Cytogenetic location: 6p22.1.
Variant type: single nucleotide variant.
Coding change: c.290-1G>T on transcript NM_001470.4 (MANE Select); the canonical splice acceptor site of the intron before coding-DNA position 290, G replaced by T.
Molecular consequence: splice acceptor variant. On other transcripts: intron variant (1).
Genome position (GRCh38, 1-based): chr6:29,630,644, C>A on the plus strand (G>T on the coding strand, the complement: GABBR1 is on the minus strand). VCF-style: chr6-29630644-C-A. GRCh37 (hg19) VCF-style: chr6-29598421-C-A.
Other names: c.289+752G>T (NM_021904.4); c.-178-1G>T (NM_001319053.2).
Identifiers: ClinVar variation 3764430 (VCV003764430.1).

ClinVar aggregate classification (germline): Uncertain significance (1 of 4 stars; one submission).

Submission:

GeneDx
Classification: Uncertain significance. Last evaluated: 2024-08-19. Review status: criteria provided, single submitter. Criteria: GeneDx Variant Classification Process June 2021. Collection method: clinical testing. Allele origin: germline. Affected: yes.
Comment: Canonical splice site variant with an unclear effect on protein function; Not observed at significant frequency in large population cohorts (gnomAD); Has not been previously published as pathogenic or benign to our knowledge